The following is an entry in ClinVar:

ClinVar aggregate classification (germline): Uncertain significance (1 of 4 stars; one submission).

Allele frequency attached by ClinVar (database versions not stated): TOPMed 0.00001.

Submission:

Labcorp Genetics (formerly Invitae), Labcorp
Classification: Uncertain significance. Last evaluated: 2023-08-11. Review status: criteria provided, single submitter. Criteria: Invitae Variant Classification Sherloc (09022015). Collection method: clinical testing. Allele origin: germline.
Comment: An algorithm developed to predict the effect of missense changes on protein structure and function (PolyPhen-2) suggests that this variant is likely to be tolerated. In summary, the available evidence is currently insufficient to determine the role of this variant in disease. Therefore, it has been classified as a Variant of Uncertain Significance. This missense change has been observed in individual(s) with P2RY12-related conditions (PMID: 28983057). This variant is not present in population databases (gnomAD no frequency). This sequence change replaces valine, which is neutral and non-polar, with methionine, which is neutral and non-polar, at codon 279 of the P2RY12 protein (p.Val279Met).

Literature cited by the submitters: PubMed 28983057.

NM_022788.5(P2RY12):c.835G>A (p.Val279Met)

Genes: MED12L (mediator complex subunit 12L; plus strand), P2RY12 (purinergic receptor P2Y12; minus strand). Cytogenetic location: 3q25.1.
Variant type: single nucleotide variant.
Coding change: c.835G>A on transcript NM_022788.5 (MANE Select); coding-DNA position 835, G replaced by A.
Protein change: p.Val279Met; replaces valine 279 with methionine.
Molecular consequence: missense variant. On other transcripts: intron variant (2).
Genome position (GRCh38, 1-based): chr3:151,338,011, C>T on the plus strand (G>A on the coding strand, the complement: P2RY12 is on the minus strand). VCF-style: chr3-151338011-C-T. GRCh37 (hg19) VCF-style: chr3-151055799-C-T.
Other names: c.835G>A, p.Val279Met (NM_176876.3); c.2251-12048C>T (NM_001393769.1); c.2146-12048C>T (NM_053002.6); short protein forms V279M.
Identifiers: ClinVar variation 2965456 (VCV002965456.3), dbSNP rs1751253057, ClinGen allele CA354980087.